The following is an entry in ClinVar:

ClinVar aggregate classification (germline): Uncertain significance. Review status: criteria provided, multiple submitters, no conflicts (2 of 4 stars). 3 submissions from 3 submitters: Uncertain significance (3). Last evaluated 2024-11-30.

Conditions:
Inborn genetic diseases. Identifiers: MedGen C0950123, MeSH D030342.
Wilms tumor 1 (WT1). Also called: Wilms tumor, somatic. Identifiers: Orphanet 654, MedGen CN033288, MONDO:0008679, OMIM 194070.
Frasier syndrome. Identifiers: Orphanet 347, MedGen C0950122, MeSH D052159, MONDO:0007635, OMIM 136680.
Drash syndrome (DDS). Also called: NEPHROPATHY, WILMS TUMOR, AND GENITAL ANOMALIES; WILMS TUMOR AND PSEUDO- OR TRUE HERMAPHRODITISM. Identifiers: Orphanet 220, MedGen C0950121, MONDO:0008682, OMIM 194080.
11p partial monosomy syndrome (WAGR). Also called: WAGR Complex; WAGR syndrome; CHROMOSOME 11p13 DELETION SYNDROME; WAGR Spectrum Disorder. Identifiers: Orphanet 893, MedGen C0206115, MONDO:0008681, OMIM 194072.

Submissions (3):

Ambry Genetics
Classification: Uncertain significance for Inborn genetic diseases. Last evaluated: 2024-11-30. Review status: criteria provided, single submitter. Criteria: Ambry Variant Classification Scheme 2023. Collection method: clinical testing. Allele origin: germline.
Comment: The p.P129R variant (also known as c.386C>G), located in coding exon 1 of the WT1 gene, results from a C to G substitution at nucleotide position 386. The proline at codon 129 is replaced by arginine, an amino acid with dissimilar properties. This amino acid position is conserved. In addition, this alteration is predicted to be tolerated by in silico analysis. Based on the available evidence, the clinical significance of this variant remains unclear.

All of Us Research Program, National Institutes of Health
Classification: Uncertain significance for Wilms tumor 1. Last evaluated: 2024-04-16. Review status: criteria provided, single submitter. Criteria: ACMG Guidelines, 2015. Collection method: clinical testing. Allele origin: germline. Inheritance: Autosomal dominant inheritance. Observed: 1 variant allele, 1 heterozygote.
Comment: This missense variant replaces proline with arginine at codon 129 of the WT1 protein. Computational prediction suggests that this variant may not impact protein structure and function. To our knowledge, functional studies have not been reported for this variant. This variant has not been reported in individuals affected with WT1-related disorders in the literature. This variant has not been identified in the general population by the Genome Aggregation Database (gnomAD). The available evidence is insufficient to determine the role of this variant in disease conclusively. Therefore, this variant is classified as a Variant of Uncertain Significance.

This study involves interpretation of variants in research participants for the purpose of population health screening. Participant phenotype was not available at the time of variant classification. Additional details can be found in publication PMID: 35346344, PMCID: PMC8962531

Labcorp Genetics (formerly Invitae), Labcorp
Classification: Uncertain significance for Wilms tumor 1; Drash syndrome; 11p partial monosomy syndrome; Frasier syndrome. Last evaluated: 2023-10-22. Review status: criteria provided, single submitter. Criteria: Invitae Variant Classification Sherloc (09022015). Collection method: clinical testing. Allele origin: germline.
Comment: This sequence change replaces proline, which is neutral and non-polar, with arginine, which is basic and polar, at codon 129 of the WT1 protein (p.Pro129Arg). This variant is not present in population databases (gnomAD no frequency). This variant has not been reported in the literature in individuals affected with WT1-related conditions. ClinVar contains an entry for this variant (Variation ID: 1449277). Advanced modeling of protein sequence and biophysical properties (such as structural, functional, and spatial information, amino acid conservation, physicochemical variation, residue mobility, and thermodynamic stability) has been performed at Invitae for this missense variant, however the output from this modeling did not meet the statistical confidence thresholds required to predict the impact of this variant on WT1 protein function. In summary, the available evidence is currently insufficient to determine the role of this variant in disease. Therefore, it has been classified as a Variant of Uncertain Significance.

NM_024426.6(WT1):c.401C>G (p.Pro134Arg)

Genes: WT1 (WT1 transcription factor; minus strand), LOC107982234 (WT1/WT1-AS bi-directional promoter region; plus strand). Cytogenetic location: 11p13.
Variant type: single nucleotide variant.
Coding change: c.401C>G on transcript NM_024426.6 (MANE Select); coding-DNA position 401, C replaced by G.
Protein change: p.Pro134Arg; replaces proline 134 with arginine.
Molecular consequence: missense variant. On other transcripts: non-coding transcript variant (1).
Genome position (GRCh38, 1-based): chr11:32,434,960, G>C on the plus strand (C>G on the coding strand, the complement: WT1 is on the minus strand). VCF-style: chr11-32434960-G-C. GRCh37 (hg19) VCF-style: chr11-32456506-G-C.
Other names: c.386C>G (NM_024426.4); c.401C>G, p.Pro134Arg (NM_000378.6, NM_024424.5); short protein forms P134R.
Identifiers: ClinVar variation 1449277 (VCV001449277.10), dbSNP rs748974419, ClinGen allele CA379965776.